The following is an entry in ClinVar:

NM_000368.5(TSC1):c.1922C>T (p.Pro641Leu)

Gene: TSC1 (TSC complex subunit 1; minus strand). Cytogenetic location: 9q34.13.
Variant type: single nucleotide variant.
Coding change: c.1922C>T on transcript NM_000368.5 (MANE Select); coding-DNA position 1922, C replaced by T.
Protein change: p.Pro641Leu; replaces proline 641 with leucine.
Molecular consequence: missense variant.
Genome position (GRCh38, 1-based): chr9:132,905,656, G>A on the plus strand (C>T on the coding strand, the complement: TSC1 is on the minus strand). VCF-style: chr9-132905656-G-A. GRCh37 (hg19) VCF-style: chr9-135781043-G-A.
Other names: c.1919C>T, p.Pro640Leu (NM_001162426.2); c.1769C>T, p.Pro590Leu (NM_001162427.2); c.1559C>T, p.Pro520Leu (NM_001362177.2); short protein forms P640L, P520L, P641L, P590L.
Identifiers: ClinVar variation 851191 (VCV000851191.10), dbSNP rs397514863, ClinGen allele CA375362653.

ClinVar aggregate classification (germline): Uncertain significance. Review status: criteria provided, multiple submitters, no conflicts (2 of 4 stars). 3 submissions from 3 submitters: Uncertain significance (3). Last evaluated 2024-10-05.

Conditions:
Tuberous sclerosis syndrome (TSC). Also called: Tuberous Sclerosis Complex; Tuberous sclerosis. Identifiers: Orphanet 805, MedGen C0041341, MONDO:0001734.
Tuberous sclerosis 1 (TSC1). Identifiers: Orphanet 805, MedGen C1854465, MONDO:0008612, OMIM 191100.
Hereditary cancer-predisposing syndrome. Also called: Neoplastic Syndromes, Hereditary; Hereditary Cancer Syndrome; Hereditary neoplastic syndrome; Tumor predisposition. Identifiers: Orphanet 140162, MedGen C0027672, MeSH D009386, MONDO:0015356.

gnomAD v4.1: 1 of 1,614,176 alleles (0.000062%); highest among the groups gnomAD compares: East Asian, 0.0022%; no homozygotes.

Submissions (3):

Ambry Genetics
Classification: Uncertain significance for Hereditary cancer-predisposing syndrome. Last evaluated: 2024-10-05. Review status: criteria provided, single submitter. Criteria: Ambry Variant Classification Scheme 2023. Collection method: clinical testing. Allele origin: germline.
Comment: The p.P641L variant (also known as c.1922C>T), located in coding exon 13 of the TSC1 gene, results from a C to T substitution at nucleotide position 1922. The proline at codon 641 is replaced by leucine, an amino acid with similar properties. This amino acid position is not well conserved in available vertebrate species. In addition, this alteration is predicted to be tolerated by in silico analysis. Based on the available evidence, the clinical significance of this variant remains unclear.

All of Us Research Program, National Institutes of Health
Classification: Uncertain significance for Tuberous sclerosis syndrome. Last evaluated: 2024-05-30. Review status: criteria provided, single submitter. Criteria: ACMG Guidelines, 2015. Collection method: clinical testing. Allele origin: germline. Inheritance: Autosomal dominant inheritance. Observed: 1 variant allele, 1 heterozygote.
Comment: This missense variant replaces proline with leucine at codon 641 of the TSC1 protein. Computational prediction suggests that this variant may not impact protein structure and function (internally defined REVEL score threshold <= 0.5, PMID: 27666373). To our knowledge, functional studies have not been reported for this variant. This variant has not been reported in individuals affected with TSC1-related disorders in the literature. This variant has not been identified in the general population by the Genome Aggregation Database (gnomAD). The available evidence is insufficient to determine the role of this variant in disease conclusively. Therefore, this variant is classified as a Variant of Uncertain Significance.

This study involves interpretation of variants in research participants for the purpose of population health screening. Participant phenotype was not available at the time of variant classification. Additional details can be found in publication PMID: 35346344, PMCID: PMC8962531

Labcorp Genetics (formerly Invitae), Labcorp
Classification: Uncertain significance for Tuberous sclerosis 1. Last evaluated: 2024-02-06. Review status: criteria provided, single submitter. Criteria: Invitae Variant Classification Sherloc (09022015). Collection method: clinical testing. Allele origin: germline.
Comment: This sequence change replaces proline, which is neutral and non-polar, with leucine, which is neutral and non-polar, at codon 641 of the TSC1 protein (p.Pro641Leu). This variant is not present in population databases (gnomAD no frequency). This variant has not been reported in the literature in individuals affected with TSC1-related conditions. ClinVar contains an entry for this variant (Variation ID: 851191). Advanced modeling of protein sequence and biophysical properties (such as structural, functional, and spatial information, amino acid conservation, physicochemical variation, residue mobility, and thermodynamic stability) performed at Invitae indicates that this missense variant is not expected to disrupt TSC1 protein function with a negative predictive value of 95%. In summary, the available evidence is currently insufficient to determine the role of this variant in disease. Therefore, it has been classified as a Variant of Uncertain Significance.